The following is an entry in ClinVar:

ClinVar aggregate classification (germline): Uncertain significance. Review status: criteria provided, multiple submitters, no conflicts (2 of 4 stars). 3 submissions from 3 submitters: Uncertain significance (3). Last evaluated 2023-08-17.

Conditions:
Hereditary sensory neuropathy-deafness-dementia syndrome. Also called: NEUROPATHY, HEREDITARY SENSORY, WITH HEARING LOSS AND DEMENTIA; Hereditary Sensory and Autonomic Neuropathy Type 1E (HSAN1E); Hereditary sensory neuropathy type IE; HSN IE. Identifiers: Orphanet 456318, MedGen C3279885, MONDO:0013584, OMIM 614116.

Allele frequency attached by ClinVar (database versions not stated): gnomAD 0.00001; TOPMed 0.00002.
gnomAD v4.1: 34 of 1,610,676 alleles (0.0021%); highest among the groups gnomAD compares: Non-Finnish European, 0.0027%; no homozygotes.

Submissions (3):

Labcorp Genetics (formerly Invitae), Labcorp
Classification: Uncertain significance for Hereditary sensory neuropathy-deafness-dementia syndrome. Last evaluated: 2023-08-17. Review status: criteria provided, single submitter. Criteria: Invitae Variant Classification Sherloc (09022015). Collection method: clinical testing. Allele origin: germline.
Comment: This sequence change replaces alanine, which is neutral and non-polar, with threonine, which is neutral and polar, at codon 1334 of the DNMT1 protein (p.Ala1334Thr). This variant is present in population databases (no rsID available, gnomAD 0.0009%). This variant has not been reported in the literature in individuals affected with DNMT1-related conditions. ClinVar contains an entry for this variant (Variation ID: 948822). Advanced modeling of protein sequence and biophysical properties (such as structural, functional, and spatial information, amino acid conservation, physicochemical variation, residue mobility, and thermodynamic stability) performed at Invitae indicates that this missense variant is expected to disrupt DNMT1 protein function. In summary, the available evidence is currently insufficient to determine the role of this variant in disease. Therefore, it has been classified as a Variant of Uncertain Significance.

GeneDx
Classification: Uncertain significance. Last evaluated: 2022-12-28. Review status: criteria provided, single submitter. Criteria: GeneDx Variant Classification Process June 2021. Collection method: clinical testing. Allele origin: germline. Affected: yes.
Comment: Not observed at significant frequency in large population cohorts (gnomAD); In silico analysis supports that this missense variant has a deleterious effect on protein structure/function; Has not been previously published as pathogenic or benign to our knowledge

Athena Diagnostics
Classification: Uncertain significance. Last evaluated: 2021-01-12. Review status: criteria provided, single submitter. Criteria: Athena Diagnostics criteria. Collection method: clinical testing. Allele origin: unknown.

NM_001130823.3(DNMT1):c.4000G>A (p.Ala1334Thr)

Gene: DNMT1 (DNA methyltransferase 1; minus strand). Cytogenetic location: 19p13.2.
Variant type: single nucleotide variant.
Coding change: c.4000G>A on transcript NM_001130823.3 (MANE Select); coding-DNA position 4000, G replaced by A.
Protein change: p.Ala1334Thr; replaces alanine 1334 with threonine.
Molecular consequence: missense variant.
Genome position (GRCh38, 1-based): chr19:10,138,554, C>T on the plus strand (G>A on the coding strand, the complement: DNMT1 is on the minus strand). VCF-style: chr19-10138554-C-T. GRCh37 (hg19) VCF-style: chr19-10249230-C-T.
Other names: c.3952G>A, p.Ala1318Thr (NM_001318730.2, NM_001379.4); c.3637G>A, p.Ala1213Thr (NM_001318731.2); short protein forms A1318T, A1334T, A1213T.
Identifiers: ClinVar variation 948822 (VCV000948822.10), dbSNP rs779967013, ClinGen allele CA403971184.